The following is an entry in ClinVar:

ClinVar aggregate classification (germline): Uncertain significance (1 of 4 stars; one submission).

Submission:

Labcorp Genetics (formerly Invitae), Labcorp
Classification: Uncertain significance. Last evaluated: 2021-12-28. Review status: criteria provided, single submitter. Criteria: Invitae Variant Classification Sherloc (09022015). Collection method: clinical testing. Allele origin: germline.
Comment: In summary, the available evidence is currently insufficient to determine the role of this variant in disease. Therefore, it has been classified as a Variant of Uncertain Significance. This variant has not been reported in the literature in individuals affected with IRF2BP2-related conditions. This variant is not present in population databases (gnomAD no frequency). This sequence change creates a premature translational stop signal (p.Gln149*) in the IRF2BP2 gene. It is expected to result in an absent or disrupted protein product. However, the current clinical and genetic evidence is not sufficient to establish whether loss-of-function variants in IRF2BP2 cause disease.

NM_182972.3(IRF2BP2):c.445C>T (p.Gln149Ter)

Genes: IRF2BP2 (interferon regulatory factor 2 binding protein 2; minus strand), LOC129932812 (ATAC-STARR-seq lymphoblastoid silent region 1977; plus strand). Cytogenetic location: 1q42.3.
Variant type: single nucleotide variant.
Coding change: c.445C>T on transcript NM_182972.3 (MANE Select); coding-DNA position 445, C replaced by T.
Protein change: p.Gln149Ter; replaces glutamine 149 with a stop codon.
Molecular consequence: nonsense.
Genome position (GRCh38, 1-based): chr1:234,609,050, G>A on the plus strand (C>T on the coding strand, the complement: IRF2BP2 is on the minus strand). VCF-style: chr1-234609050-G-A. GRCh37 (hg19) VCF-style: chr1-234744796-G-A.
Other names: c.445C>T, p.Gln149Ter (NM_001077397.1); short protein forms Q149*.
Identifiers: ClinVar variation 2063585 (VCV002063585.4), dbSNP rs1338216451, ClinGen allele CA345310366.